The following is an entry in ClinVar:

ClinVar aggregate classification (germline): Likely pathogenic (1 of 4 stars; one submission).

Conditions:
Congenital myasthenic syndrome 12 (CMS12). Also called: Myasthenia, congenital, 12, with tubular aggregates; MYASTHENIC SYNDROME, CONGENITAL, WITH TUBULAR AGGREGATES 1. Identifiers: Orphanet 353327, Orphanet 590, MedGen C3552335, MONDO:0012518, OMIM 610542.

Submissions (2):

Labcorp Genetics (formerly Invitae), Labcorp
Classification: Likely pathogenic for Congenital myasthenic syndrome 12. Last evaluated: 2025-10-02. Review status: criteria provided, single submitter. Criteria: Invitae Variant Classification Sherloc (09022015). Collection method: clinical testing. Allele origin: germline.
Comment: This sequence change affects an acceptor splice site in intron 12 of the GFPT1 gene. It is expected to disrupt RNA splicing. Variants that disrupt the donor or acceptor splice site typically lead to a loss of protein function (PMID: 16199547), and loss-of-function variants in GFPT1 are known to be pathogenic (PMID: 23794683). This variant is not present in population databases (gnomAD no frequency). This variant has not been reported in the literature in individuals affected with GFPT1-related conditions. ClinVar contains an entry for this variant (Variation ID: 963082). Algorithms developed to predict the effect of sequence changes on RNA splicing suggest that this variant may disrupt the consensus splice site. In summary, the currently available evidence indicates that the variant is pathogenic, but additional data are needed to prove that conclusively. Therefore, this variant has been classified as Likely Pathogenic.

Dr. Peter K. Rogan Lab, Western University
No classification provided (evidence only). Condition: Ovarian serous cystadenocarcinoma. Review status: no classification provided. Collection method: in vitro. Allele origin: not applicable. Functional consequence: retained intron. Not counted in ClinVar's aggregate classification.

Literature cited by the submitters: PubMed 16199547 (cited by Labcorp Genetics (formerly Invitae), Labcorp); PubMed 23794683 (cited by Labcorp Genetics (formerly Invitae), Labcorp).

NM_001244710.2(GFPT1):c.1106-1G>T

Gene: GFPT1 (glutamine--fructose-6-phosphate transaminase 1; minus strand). Cytogenetic location: 2p13.3.
Variant type: single nucleotide variant.
Coding change: c.1106-1G>T on transcript NM_001244710.2 (MANE Select); the canonical splice acceptor site of the intron before coding-DNA position 1106, G replaced by T.
Molecular consequence: splice acceptor variant.
Genome position (GRCh38, 1-based): chr2:69,342,250, C>A on the plus strand (G>T on the coding strand, the complement: GFPT1 is on the minus strand). VCF-style: chr2-69342250-C-A. GRCh37 (hg19) VCF-style: chr2-69569382-C-A.
Other names: c.1052-1G>T (NM_002056.4).
Identifiers: ClinVar variation 963082 (VCV000963082.9), dbSNP rs1670970306, ClinGen allele CA347125478.